The following is an entry in ClinVar:

NM_001363711.2(DUOX2):c.919C>A (p.Gln307Lys)

Gene: DUOX2 (dual oxidase 2; minus strand). Cytogenetic location: 15q21.1.
Variant type: single nucleotide variant.
Coding change: c.919C>A on transcript NM_001363711.2 (MANE Select); coding-DNA position 919, C replaced by A.
Protein change: p.Gln307Lys; replaces glutamine 307 with lysine.
Molecular consequence: missense variant.
Genome position (GRCh38, 1-based): chr15:45,110,674, G>T on the plus strand (C>A on the coding strand, the complement: DUOX2 is on the minus strand). VCF-style: chr15-45110674-G-T. GRCh37 (hg19) VCF-style: chr15-45402872-G-T.
Other names: c.919C>A, p.Gln307Lys (NM_014080.5); short protein forms Q307K.
Identifiers: ClinVar variation 4770913 (VCV004770913.1).
Genomic context (GRCh38, chr15:45,110,674, plus strand): 5'-TCTCCGCACAGGTGTCCTCCTTCCCCGCTCCCTCACCTGTATACTCCGGGAGTGTTTTCT[G>T]CAGGAAGCTGGGCAGCCACTCATACACAGCGATGTTCTGAGGGGCAGAGAGGGGCGAGGG-3'
Protein context (NP_001350640.1, residues 297-317): AVYEWLPSFL[Gln307Lys]KTLPEYTGYR

ClinVar aggregate classification (germline): Uncertain significance (1 of 4 stars; one submission).

gnomAD v4.1: 9 of 1,612,462 alleles (0.00056%); highest among the groups gnomAD compares: Middle Eastern, 0.021%; no homozygotes.

Submission:

Labcorp Genetics (formerly Invitae), Labcorp
Classification: Uncertain significance. Last evaluated: 2025-12-11. Review status: criteria provided, single submitter. Criteria: Invitae Variant Classification Sherloc (09022015). Collection method: clinical testing. Allele origin: germline.
Comment: This sequence change replaces glutamine, which is neutral and polar, with lysine, which is basic and polar, at codon 307 of the DUOX2 protein (p.Gln307Lys). This variant is present in population databases (no rsID available, gnomAD 0.003%). This variant has not been reported in the literature in individuals affected with DUOX2-related conditions. Invitae Evidence Modeling of protein sequence and biophysical properties (such as structural, functional, and spatial information, amino acid conservation, physicochemical variation, residue mobility, and thermodynamic stability) indicates that this missense variant is not expected to disrupt DUOX2 protein function with a negative predictive value of 80%. In summary, the available evidence is currently insufficient to determine the role of this variant in disease. Therefore, it has been classified as a Variant of Uncertain Significance.